The following is an entry in ClinVar:

ClinVar aggregate classification (germline): Uncertain significance. Review status: criteria provided, multiple submitters, no conflicts (2 of 4 stars). 3 submissions from 3 submitters: Uncertain significance (3). Last evaluated 2025-01-23.

Conditions:
Autosomal recessive nonsyndromic hearing loss 9. Also called: OTOF-Related Hearing Loss; Deafness, autosomal recessive 9; NEUROSENSORY NONSYNDROMIC RECESSIVE DEAFNESS 9; AUDITORY NEUROPATHY, AUTOSOMAL RECESSIVE, 1, TEMPERATURE-SENSITIVE. Identifiers: Orphanet 90636, MedGen C1832828, MONDO:0010986, OMIM 601071.

Allele frequency attached by ClinVar (database versions not stated): gnomAD 0.00002; TOPMed 0.00002; ExAC 0.00005; gnomAD exomes 0.00001.
gnomAD v4.1: 22 of 1,591,738 alleles (0.0014%); highest among the groups gnomAD compares: African/African-American, 0.0027%; no homozygotes.

Submissions (3):

GeneDx
Classification: Uncertain significance. Last evaluated: 2025-01-23. Review status: criteria provided, single submitter. Criteria: GeneDx Variant Classification Process June 2021. Collection method: clinical testing. Allele origin: germline. Affected: yes.
Comment: In silico analysis indicates that this missense variant does not alter protein structure/function; Has not been previously published as pathogenic or benign to our knowledge

Fulgent Genetics
Classification: Uncertain significance for Autosomal recessive nonsyndromic hearing loss 9. Last evaluated: 2021-09-23. Review status: criteria provided, single submitter. Criteria: ACMG Guidelines, 2015. Collection method: clinical testing. Allele origin: unknown.

Labcorp Genetics (formerly Invitae), Labcorp
Classification: Uncertain significance. Last evaluated: 2021-09-17. Review status: criteria provided, single submitter. Criteria: Invitae Variant Classification Sherloc (09022015). Collection method: clinical testing. Allele origin: germline.
Comment: This sequence change replaces lysine with arginine at codon 1968 of the OTOF protein (p.Lys1968Arg). The lysine residue is highly conserved and there is a small physicochemical difference between lysine and arginine. This variant is present in population databases (rs754090877, ExAC 0.009%). This variant has not been reported in the literature in individuals with OTOF-related conditions. Algorithms developed to predict the effect of missense changes on protein structure and function output the following: SIFT: "Deleterious"; PolyPhen-2: "Probably Damaging"; Align-GVGD: "Class C0". The arginine amino acid residue is found in multiple mammalian species, suggesting that this missense change does not adversely affect protein function. These predictions have not been confirmed by published functional studies and their clinical significance is uncertain. Algorithms developed to predict the effect of sequence changes on RNA splicing suggest that this variant may create or strengthen a splice site, but this prediction has not been confirmed by published transcriptional studies. In summary, the available evidence is currently insufficient to determine the role of this variant in disease. Therefore, it has been classified as a Variant of Uncertain Significance.

NM_194248.3(OTOF):c.5903A>G (p.Lys1968Arg)

Gene: OTOF (otoferlin; minus strand). Cytogenetic location: 2p23.3.
Variant type: single nucleotide variant.
Coding change: c.5903A>G on transcript NM_194248.3 (MANE Select); coding-DNA position 5903, A replaced by G.
Protein change: p.Lys1968Arg; replaces lysine 1968 with arginine.
Molecular consequence: missense variant. On other transcripts: intron variant (2).
Genome position (GRCh38, 1-based): chr2:26,460,116, T>C on the plus strand (A>G on the coding strand, the complement: OTOF is on the minus strand). VCF-style: chr2-26460116-T-C. GRCh37 (hg19) VCF-style: chr2-26682984-T-C.
Other names: c.3602A>G, p.Lys1201Arg (NM_004802.4); c.3833A>G, p.Lys1278Arg (NM_194322.3); c.5813+531A>G (NM_001287489.2); c.3512+531A>G (NM_194323.3); short protein forms K1278R, K1968R, K1201R.
Identifiers: ClinVar variation 1497506 (VCV001497506.7), dbSNP rs754090877, ClinGen allele CA1562661.
Genomic context (GRCh38, chr2:26,460,116, plus strand): 5'-CCAGGCACAGAGTAGAGGAACAGGGCGAGGAGGAGGAGCAGCAGCAGGAGCAGCAACAGT[T>C]TGAGGAGCAGCCAGCGATACGTGTGCCACAAGAAGTAGCGAGCCGACTTGAGAGGGTTCA-3'
Protein context (NP_919224.1, residues 1958-1978): LWHTYRWLLL[Lys1968Arg]LLLLLLLLLL